The following is an entry in ClinVar:

NM_000218.3(KCNQ1):c.1393+20820A>T

Genes: KCNQ1 (potassium voltage-gated channel subfamily Q member 1; plus strand), KCNQ1OT1 (KCNQ1 opposite strand/antisense transcript 1; minus strand). Cytogenetic location: 11p15.5.
Variant type: single nucleotide variant.
Coding change: c.1393+20820A>T on transcript NM_000218.3 (MANE Select); 20820 bases into the intron after coding-DNA position 1393, A replaced by T.
Molecular consequence: intron variant. On other transcripts: non-coding transcript variant (1).
Genome position (GRCh38, 1-based): chr11:2,609,674, A>T. VCF-style: chr11-2609674-A-T. GRCh37 (hg19) VCF-style: chr11-2630904-A-T.
Other names: c.1123+20820A>T (NM_001406837.1); c.1297+20820A>T (NM_001406836.1); c.853+20820A>T (NM_001406838.1); c.1012+20820A>T (NM_181798.2).
Identifiers: ClinVar variation 3905686 (VCV003905686.10).

ClinVar aggregate classification (germline): Likely benign (1 of 4 stars; one submission).

gnomAD v4.1: 46 of 398,192 alleles (0.012%); highest among the groups gnomAD compares: Admixed American, 0.013%; no homozygotes.

Submission:

CeGaT Center for Human Genetics Tuebingen
Classification: Likely benign. Last evaluated: 2025-05-01. Review status: criteria provided, single submitter. Criteria: CeGaT Center For Human Genetics Tuebingen Variant Classification Criteria Version 2. Collection method: clinical testing. Allele origin: germline. Affected: yes. Observed: 1 variant allele.
Comment: KCNQ1OT1: BP1